The following is an entry in ClinVar:

ClinVar aggregate classification (germline): Uncertain significance (1 of 4 stars; one submission).

Allele frequency attached by ClinVar (database versions not stated): gnomAD exomes 0.00005; gnomAD 0.00006 and 0.00008; TOPMed 0.00007; ExAC 0.00013.

Submission:

Labcorp Genetics (formerly Invitae), Labcorp
Classification: Uncertain significance. Last evaluated: 2022-09-06. Review status: criteria provided, single submitter. Criteria: Invitae Variant Classification Sherloc (09022015). Collection method: clinical testing. Allele origin: germline.
Comment: This sequence change replaces glycine, which is neutral and non-polar, with arginine, which is basic and polar, at codon 191 of the REEP6 protein (p.Gly191Arg). The frequency data for this variant in the population databases is considered unreliable, as metrics indicate poor data quality at this position in the gnomAD database. This variant has not been reported in the literature in individuals affected with REEP6-related conditions. ClinVar contains an entry for this variant (Variation ID: 1418324). Experimental studies and prediction algorithms are not available or were not evaluated, and the functional significance of this variant is currently unknown. In summary, the available evidence is currently insufficient to determine the role of this variant in disease. Therefore, it has been classified as a Variant of Uncertain Significance.

NM_001329556.3(REEP6):c.571G>A (p.Gly191Arg)

Gene: REEP6 (receptor accessory protein 6; plus strand). Cytogenetic location: 19p13.3.
Variant type: single nucleotide variant.
Coding change: c.571G>A on transcript NM_001329556.3 (MANE Plus Clinical); coding-DNA position 571, G replaced by A.
Protein change: p.Gly191Arg; replaces glycine 191 with arginine.
Molecular consequence: missense variant. On other transcripts: intron variant (1).
Genome position (GRCh38, 1-based): chr19:1,496,644, G>A. VCF-style: chr19-1496644-G-A. GRCh37 (hg19) VCF-style: chr19-1496643-G-A.
Other names: c.517+191G>A (NM_138393.4); short protein forms G191R.
Identifiers: ClinVar variation 1418324 (VCV001418324.3), dbSNP rs771873173, ClinGen allele CA9047648.